The following is an entry in ClinVar:

NM_001256071.3(RNF213):c.11569-10G>T

Genes: RNF213 (ring finger protein 213; plus strand), RNF213-AS1 (RNF213 antisense RNA 1; minus strand). Cytogenetic location: 17q25.3.
Variant type: single nucleotide variant.
Coding change: c.11569-10G>T on transcript NM_001256071.3 (MANE Select); 10 bases into the intron before coding-DNA position 11569, G replaced by T.
Molecular consequence: intron variant.
Genome position (GRCh38, 1-based): chr17:80,363,599, G>T. VCF-style: chr17-80363599-G-T. GRCh37 (hg19) VCF-style: chr17-78337399-G-T.
Other names: p.?; c.11716-10G>T (NM_020914.5, NM_001410195.1).
Identifiers: ClinVar variation 4684270 (VCV004684270.1).

ClinVar aggregate classification (germline): Likely benign (1 of 4 stars; one submission).

gnomAD v4.1: 19 of 1,612,928 alleles (0.0012%); highest among the groups gnomAD compares: South Asian, 0.019%; no homozygotes.

Submission:

Mayo Clinic Laboratories, Mayo Clinic
Classification: Likely benign. Last evaluated: 2025-05-14. Review status: criteria provided, single submitter. Criteria: ACMG Guidelines, 2015. Collection method: clinical testing. Allele origin: germline. Observed: 1 variant allele.
Comment: BP4, BP7